The following is an entry in ClinVar:

NM_001004051.4(GPRASP2):c.2160G>A (p.Met720Ile)

Genes: GPRASP2 (G protein-coupled receptor associated sorting protein 2; plus strand), ARMCX5-GPRASP2 (ARMCX5-GPRASP2 readthrough; plus strand). Cytogenetic location: Xq22.1.
Variant type: single nucleotide variant.
Coding change: c.2160G>A on transcript NM_001004051.4 (MANE Select); coding-DNA position 2160, G replaced by A.
Protein change: p.Met720Ile; replaces methionine 720 with isoleucine.
Molecular consequence: missense variant. On other transcripts: intron variant (3).
Genome position (GRCh38, 1-based): chrX:102,717,029, G>A. VCF-style: chrX-102717029-G-A. GRCh37 (hg19) VCF-style: chrX-101971957-G-A.
Other names: c.2160G>A, p.Met720Ile (NM_001199818.1, NM_001184874.3, NM_001184875.3 and 2 more transcripts); c.-820+2763G>A (NM_001350268.2); c.-752+2763G>A (NM_001350269.2); c.-721+2763G>A (NM_001350270.1); c.2160G>A (NM_138437.5); short protein forms M720I.
Identifiers: ClinVar variation 732706 (VCV000732706.5), dbSNP rs148692824, ClinGen allele CA10476635.

ClinVar aggregate classification (germline): Conflicting classifications of pathogenicity. Review status: criteria provided, conflicting classifications (1 of 4 stars). 3 submissions from 3 submitters: Uncertain significance (1); Likely benign (1). 1 of the submissions does not count toward it. Last evaluated 2024-06-22.

Conditions:
GPRASP2-related disorder. Also called: GPRASP2-related condition.

Allele frequency attached by ClinVar (database versions not stated): 1000 Genomes Project below 0.00001; gnomAD exomes 0.00001 and 0.00006; ExAC 0.00009; ESP Exome Variant Server 0.00019; gnomAD 0.00021 and 0.00023; TOPMed 0.00024.
gnomAD v4.1: 43 of 1,198,460 alleles (0.0036%); highest among the groups gnomAD compares: Middle Eastern, 0.069%; no homozygotes.

Submissions (3):

Ambry Genetics
Classification: Uncertain significance. Last evaluated: 2024-06-22. Review status: criteria provided, single submitter. Criteria: Ambry Variant Classification Scheme 2023. Collection method: clinical testing. Allele origin: germline.

Labcorp Genetics (formerly Invitae), Labcorp
Classification: Likely benign. Last evaluated: 2018-07-06. Review status: criteria provided, single submitter. Criteria: Invitae Variant Classification Sherloc (09022015). Collection method: clinical testing. Allele origin: germline.

PreventionGenetics, part of Exact Sciences
Classification: Likely benign for GPRASP2-related condition. Last evaluated: 2024-04-18. Review status: no assertion criteria provided. Collection method: clinical testing. Allele origin: germline. Not counted in ClinVar's aggregate classification.
Comment: This variant is classified as likely benign based on ACMG/AMP sequence variant interpretation guidelines (Richards et al. 2015 PMID: 25741868, with internal and published modifications).